The following is an entry in ClinVar:

ClinVar aggregate classification (germline): Likely benign. Review status: criteria provided, single submitter (1 of 4 stars). 2 submissions from 2 submitters: Likely benign (1). 1 of the submissions does not count toward it. Last evaluated 2025-10-21.

Conditions:
CEP250-related disorder. Also called: CEP250-related condition.

Allele frequency attached by ClinVar (database versions not stated): gnomAD 0.00007 and 0.00009; TOPMed 0.00021; 1000 Genomes Project 0.00040; 1000 Genomes Project 30x 0.00047.
gnomAD v4.1: 23 of 1,614,054 alleles (0.0014%); highest among the groups gnomAD compares: Admixed American, 0.03%; no homozygotes.

Submissions (2):

Labcorp Genetics (formerly Invitae), Labcorp
Classification: Likely benign. Last evaluated: 2025-10-21. Review status: criteria provided, single submitter. Criteria: Invitae Variant Classification Sherloc (09022015). Collection method: clinical testing. Allele origin: germline.

PreventionGenetics, part of Exact Sciences
Classification: Likely benign for CEP250-related condition. Last evaluated: 2019-02-22. Review status: no assertion criteria provided. Collection method: clinical testing. Allele origin: germline. Not counted in ClinVar's aggregate classification.
Comment: This variant is classified as likely benign based on ACMG/AMP sequence variant interpretation guidelines (Richards et al. 2015 PMID: 25741868, with internal and published modifications).

NM_007186.6(CEP250):c.5010C>G (p.Leu1670=)

Gene: CEP250 (centrosomal protein 250; plus strand). Cytogenetic location: 20q11.22.
Variant type: single nucleotide variant.
Coding change: c.5010C>G on transcript NM_007186.6 (MANE Select); coding-DNA position 5010, C replaced by G.
Protein change: p.Leu1670=; no amino-acid change (leucine 1670 retained).
Molecular consequence: synonymous variant.
Genome position (GRCh38, 1-based): chr20:35,503,379, C>G. VCF-style: chr20-35503379-C-G. GRCh37 (hg19) VCF-style: chr20-34091207-C-G.
Other names: c.5010C>G (NM_007186.5); c.3114C>G, p.Leu1038= (NM_001318219.1).
Identifiers: ClinVar variation 1161965 (VCV001161965.11), dbSNP rs200762282, ClinGen allele CA9833799.